The following is an entry in ClinVar:

ClinVar aggregate classification (germline): Conflicting classifications of pathogenicity. Review status: criteria provided, conflicting classifications (1 of 4 stars). 8 submissions from 7 submitters: Uncertain significance (5); Likely benign (3). Last evaluated 2025-11-24.

Conditions:
Microcephaly 6, primary, autosomal recessive. Identifiers: Orphanet 2512, MedGen C1842109, MONDO:0012029, OMIM 608393.
Seckel syndrome 4 (SCKL4). Identifiers: Orphanet 808, MedGen C3888212, MONDO:0013358, OMIM 613676.

Allele frequency attached by ClinVar (database versions not stated): gnomAD exomes 0.00023 and 0.00039; gnomAD 0.00029 and 0.00036; ExAC 0.00038; ESP Exome Variant Server 0.00038; TOPMed 0.00051.
gnomAD v4.1: 424 of 1,614,068 alleles (0.026%); highest among the groups gnomAD compares: Middle Eastern, 0.12%; 1 homozygote.

Submissions (8):

Labcorp Genetics (formerly Invitae), Labcorp
Classification: Likely benign. Last evaluated: 2025-11-24. Review status: criteria provided, single submitter. Criteria: Invitae Variant Classification Sherloc (09022015). Collection method: clinical testing. Allele origin: germline.

Athena Diagnostics
Classification: Likely benign. Last evaluated: 2024-11-19. Review status: criteria provided, single submitter. Criteria: Athena Diagnostics Criteria. Collection method: clinical testing. Allele origin: unknown.

CeGaT Center for Human Genetics Tuebingen
Classification: Likely benign. Last evaluated: 2022-07-01. Review status: criteria provided, single submitter. Criteria: CeGaT Center For Human Genetics Tuebingen Variant Classification Criteria Version 2. Collection method: clinical testing. Allele origin: germline. Affected: yes. Observed: 3 variant alleles.
Comment: CPAP: BP4

Illumina Laboratory Services, Illumina
Classification: Uncertain significance for Seckel syndrome 4. Last evaluated: 2018-01-12. Review status: criteria provided, single submitter. Criteria: ICSL Variant Classification Criteria 13 December 2019. Collection method: clinical testing. Allele origin: germline.

Illumina Laboratory Services, Illumina
Classification: Uncertain significance for Microcephaly 6, primary, autosomal recessive. Last evaluated: 2018-01-12. Review status: criteria provided, single submitter. Criteria: ICSL Variant Classification Criteria 13 December 2019. Collection method: clinical testing. Allele origin: germline.

Fulgent Genetics
Classification: Uncertain significance for Microcephaly 6, primary, autosomal recessive; Seckel syndrome 4. Last evaluated: 2017-05-23. Review status: criteria provided, single submitter. Criteria: ACMG Guidelines, 2015. Collection method: clinical testing. Allele origin: unknown.

Eurofins Ntd Llc (ga)
Classification: Uncertain significance. Last evaluated: 2015-02-09. Review status: criteria provided, single submitter. Criteria: EGL Classification Definitions 2015. Collection method: clinical testing. Allele origin: germline. Observed: 2 variant alleles, 2 heterozygotes.

Genetic Services Laboratory, University of Chicago
Classification: Uncertain significance for Microcephaly 6, primary, autosomal recessive. Last evaluated: 2014-01-27. Review status: criteria provided, single submitter. Criteria: ACMG Guidelines, 2007. Collection method: clinical testing. Allele origin: germline. Inheritance: Autosomal recessive inheritance.

NM_018451.5(CPAP):c.1513G>A (p.Glu505Lys)

Gene: CPAP (centrosome assembly and centriole elongation protein; minus strand). Cytogenetic location: 13q12.13.
Variant type: single nucleotide variant.
Coding change: c.1513G>A on transcript NM_018451.5 (MANE Select); coding-DNA position 1513, G replaced by A.
Protein change: p.Glu505Lys; replaces glutamic acid 505 with lysine.
Molecular consequence: missense variant. On other transcripts: non-coding transcript variant (2).
Genome position (GRCh38, 1-based): chr13:24,906,525, C>T on the plus strand (G>A on the coding strand, the complement: CPAP is on the minus strand). VCF-style: chr13-24906525-C-T. GRCh37 (hg19) VCF-style: chr13-25480663-C-T.
Other names: short protein forms E505K.
Identifiers: ClinVar variation 158193 (VCV000158193.46), dbSNP rs145679691, ClinGen allele CA247309.